The following is an entry in ClinVar:

NM_003002.4(SDHD):c.273G>T (p.Met91Ile)

Gene: SDHD (succinate dehydrogenase complex subunit D; plus strand). Cytogenetic location: 11q23.1.
Variant type: single nucleotide variant.
Coding change: c.273G>T on transcript NM_003002.4 (MANE Select); coding-DNA position 273, G replaced by T.
Protein change: p.Met91Ile; replaces methionine 91 with isoleucine.
Molecular consequence: missense variant. On other transcripts: non-coding transcript variant (1), intron variant (1).
Genome position (GRCh38, 1-based): chr11:112,088,970, G>T. VCF-style: chr11-112088970-G-T. GRCh37 (hg19) VCF-style: chr11-111959694-G-T.
Other names: c.156G>T, p.Met52Ile (NM_001276504.2); c.273G>T, p.Met91Ile (NM_001276506.2); c.169+997G>T (NM_001276503.2); short protein forms M52I, M91I.
Identifiers: ClinVar variation 4161277 (VCV004161277.1).

ClinVar aggregate classification (germline): Uncertain significance (1 of 4 stars; one submission).

Conditions:
Hereditary cancer-predisposing syndrome. Also called: Neoplastic Syndromes, Hereditary; Tumor predisposition; Hereditary Cancer Syndrome; Hereditary neoplastic syndrome. Identifiers: Orphanet 140162, MedGen C0027672, MeSH D009386, MONDO:0015356.

Submission:

Ambry Genetics
Classification: Uncertain significance for Hereditary cancer-predisposing syndrome. Last evaluated: 2025-09-12. Review status: criteria provided, single submitter. Criteria: Ambry Variant Classification Scheme 2023. Collection method: clinical testing. Allele origin: germline.
Comment: The p.M91I variant (also known as c.273G>T), located in coding exon 3 of the SDHD gene, results from a G to T substitution at nucleotide position 273. The methionine at codon 91 is replaced by isoleucine, an amino acid with highly similar properties. This amino acid position is conserved. In addition, the in silico prediction for this alteration is inconclusive. Based on the available evidence, the clinical significance of this variant remains unclear.